The following is an entry in ClinVar:

ClinVar aggregate classification (germline): Likely benign (1 of 4 stars; one submission).

Conditions:
IFT27-related disorder. Also called: IFT27-related condition.

Submission:

PreventionGenetics, part of Exact Sciences
Classification: Likely benign for IFT27-related condition. Last evaluated: 2025-07-02. Review status: criteria provided, single submitter. Criteria: ACMG Guidelines, 2015. Collection method: clinical testing. Allele origin: germline.
Comment: This variant is classified as likely benign based on ACMG/AMP sequence variant interpretation guidelines (Richards et al. 2015 PMID: 25741868, with internal and published modifications).

NM_001177701.3(IFT27):c.234+8G>T

Genes: CACNG2-DT (CACNG2 divergent transcript; plus strand), IFT27 (intraflagellar transport 27; minus strand), LOC126863139 (CDK7 strongly-dependent group 2 enhancer GRCh37_chr22:37161913-37163112; plus strand). Cytogenetic location: 22q12.3.
Variant type: single nucleotide variant.
Coding change: c.234+8G>T on transcript NM_001177701.3 (MANE Select); 8 bases into the intron after coding-DNA position 234, G replaced by T.
Molecular consequence: intron variant.
Genome position (GRCh38, 1-based): chr22:36,766,130, C>A on the plus strand (G>T on the coding strand, the complement: IFT27 is on the minus strand). VCF-style: chr22-36766130-C-A. GRCh37 (hg19) VCF-style: chr22-37162174-C-A.
Other names: c.234+8G>T (NM_001363003.2); c.231+8G>T (NM_006860.5).
Identifiers: ClinVar variation 4983784 (VCV004983784.1).
Genomic context (GRCh38, chr22:36,766,130, plus strand): 5'-GCACTGTCAGGGGTAAACGTTTTGGCAGGAGGTGGTGACAGTCAGGAAAAAGACCACGTG[C>A]TACTTGCCAATTTATCCAGCATTTCCGAAAACAGCTCCTTGCCAGCAGAGTCAAAAATGA-3'